The following is an entry in ClinVar:

ClinVar aggregate classification (germline): Uncertain significance (1 of 4 stars; one submission).

Conditions:
EP300-related disorder. Also called: EP300-related condition; EP300-related disorders.

gnomAD v4.1: 9 of 1,614,034 alleles (0.00056%); highest among the groups gnomAD compares: Admixed American, 0.0033%; no homozygotes.

Submission:

PreventionGenetics, part of Exact Sciences
Classification: Uncertain significance for EP300-related condition. Last evaluated: 2025-04-24. Review status: criteria provided, single submitter. Criteria: ACMG Guidelines, 2015. Collection method: clinical testing. Allele origin: germline.
Comment: The EP300 c.3637G>A variant is predicted to result in the amino acid substitution p.Val1213Ile. To our knowledge, this variant has not been reported in the literature. This variant is reported in 0.0033% of alleles in individuals of South Asian descent in gnomAD. At this time, the clinical significance of this variant is uncertain due to the absence of conclusive functional and genetic evidence.

NM_001429.4(EP300):c.3637G>A (p.Val1213Ile)

Gene: EP300 (EP300 lysine acetyltransferase; plus strand). Cytogenetic location: 22q13.2.
Variant type: single nucleotide variant.
Coding change: c.3637G>A on transcript NM_001429.4 (MANE Select); coding-DNA position 3637, G replaced by A.
Protein change: p.Val1213Ile; replaces valine 1213 with isoleucine.
Molecular consequence: missense variant.
Genome position (GRCh38, 1-based): chr22:41,160,688, G>A. VCF-style: chr22-41160688-G-A. GRCh37 (hg19) VCF-style: chr22-41556692-G-A.
Other names: c.3559G>A, p.Val1187Ile (NM_001362843.2); short protein forms V1187I, V1213I.
Identifiers: ClinVar variation 4985849 (VCV004985849.1).